The following is an entry in ClinVar:

NM_001005498.4(RHBDF2):c.196C>T (p.Arg66Cys)

Gene: RHBDF2 (rhomboid 5 homolog 2; minus strand). Cytogenetic location: 17q25.1.
Variant type: single nucleotide variant.
Coding change: c.196C>T on transcript NM_001005498.4 (MANE Select); coding-DNA position 196, C replaced by T.
Protein change: p.Arg66Cys; replaces arginine 66 with cysteine.
Molecular consequence: missense variant. On other transcripts: non-coding transcript variant (3).
Genome position (GRCh38, 1-based): chr17:76,479,809, G>A on the plus strand (C>T on the coding strand, the complement: RHBDF2 is on the minus strand). VCF-style: chr17-76479809-G-A. GRCh37 (hg19) VCF-style: chr17-74475891-G-A.
Other names: c.196C>T, p.Arg66Cys (NM_001376228.1, NM_001376229.1, NM_001376230.1); c.283C>T, p.Arg95Cys (NM_024599.5); short protein forms R66C, R95C.
Identifiers: ClinVar variation 3710641 (VCV003710641.2).

ClinVar aggregate classification (germline): Uncertain significance (1 of 4 stars; one submission).

gnomAD v4.1: 39 of 1,613,038 alleles (0.0024%); highest among the groups gnomAD compares: South Asian, 0.0055%; 1 homozygote.

Submission:

Labcorp Genetics (formerly Invitae), Labcorp
Classification: Uncertain significance. Last evaluated: 2024-12-18. Review status: criteria provided, single submitter. Criteria: Invitae Variant Classification Sherloc (09022015). Collection method: clinical testing. Allele origin: germline.
Comment: This sequence change replaces arginine, which is basic and polar, with cysteine, which is neutral and slightly polar, at codon 95 of the RHBDF2 protein (p.Arg95Cys). This variant is present in population databases (rs747985209, gnomAD 0.007%), including at least one homozygous and/or hemizygous individual. This variant has not been reported in the literature in individuals affected with RHBDF2-related conditions. An algorithm developed to predict the effect of missense changes on protein structure and function (PolyPhen-2) suggests that this variant is likely to be disruptive. In summary, the available evidence is currently insufficient to determine the role of this variant in disease. Therefore, it has been classified as a Variant of Uncertain Significance.